The following is an entry in ClinVar:

ClinVar aggregate classification (germline): Likely benign. Review status: criteria provided, multiple submitters, no conflicts (2 of 4 stars). 2 submissions from 2 submitters: Likely benign (2). Last evaluated 2018-06-14.

Allele frequency attached by ClinVar (database versions not stated): 1000 Genomes Project 30x 0.01405; 1000 Genomes Project 0.01438; gnomAD 0.02559 and 0.02589; TOPMed 0.02756; gnomAD exomes 0.03381.
gnomAD v4.1: 46,202 of 1,403,556 alleles (3.3%); highest among the groups gnomAD compares: Middle Eastern, 6.8%; 923 homozygotes.

Submissions (2):

GeneDx
Classification: Likely benign. Last evaluated: 2018-06-14. Review status: criteria provided, single submitter. Criteria: GeneDx Variant Classification (06012015). Collection method: clinical testing. Allele origin: germline. Affected: yes.
Comment: This variant is considered likely benign or benign based on one or more of the following criteria: it is a conservative change, it occurs at a poorly conserved position in the protein, it is predicted to be benign by multiple in silico algorithms, and/or has population frequency not consistent with disease.

Breakthrough Genomics
Classification: Likely benign. Review status: criteria provided, single submitter. Criteria: ACMG Guidelines, 2015. Collection method: not provided. Allele origin: germline. Inheritance: Autosomal recessive inheritance. Affected: yes.

NM_203447.4(DOCK8):c.1422+101G>T

Gene: DOCK8 (dedicator of cytokinesis 8; plus strand). Cytogenetic location: 9p24.3.
Variant type: single nucleotide variant.
Coding change: c.1422+101G>T on transcript NM_203447.4 (MANE Select); 101 bases into the intron after coding-DNA position 1422, G replaced by T.
Molecular consequence: intron variant.
Genome position (GRCh38, 1-based): chr9:336,819, G>T. VCF-style: chr9-336819-G-T. GRCh37 (hg19) VCF-style: chr9-336819-G-T.
Other names: c.1218+101G>T (NM_001193536.2, NM_001190458.2).
Identifiers: ClinVar variation 675055 (VCV000675055.2), dbSNP rs117506165, ClinGen allele CA187761619.
Genomic context (GRCh38, chr9:336,819, plus strand): 5'-ACTGGCATGGGCACTGGAACCCACAGGAGGAGGATACGTAGTGATTAAGAGAGCAAATTA[G>T]TTAAGCTCACTCTCTTAGTTCATTTTCTGCTGCTTATAATAGAGTATCTGAAACTGGGTA-3'